The following is an entry in ClinVar:

NM_000256.3(MYBPC3):c.2545G>A (p.Val849Ile)

Gene: MYBPC3 (myosin binding protein C3; minus strand). Cytogenetic location: 11p11.2.
Variant type: single nucleotide variant.
Coding change: c.2545G>A on transcript NM_000256.3 (MANE Select); coding-DNA position 2545, G replaced by A.
Protein change: p.Val849Ile; replaces valine 849 with isoleucine.
Molecular consequence: missense variant.
Genome position (GRCh38, 1-based): chr11:47,337,448, C>T on the plus strand (G>A on the coding strand, the complement: MYBPC3 is on the minus strand). VCF-style: chr11-47337448-C-T. GRCh37 (hg19) VCF-style: chr11-47358999-C-T.
Other names: short protein forms V849I.
Identifiers: ClinVar variation 3071275 (VCV003071275.5), dbSNP rs1434265977, ClinGen allele CA380318159.

ClinVar aggregate classification (germline): Uncertain significance. Review status: criteria provided, multiple submitters, no conflicts (2 of 4 stars). 4 submissions from 4 submitters: Uncertain significance (4). Last evaluated 2025-11-10.

Conditions:
Cardiovascular phenotype. Identifiers: MedGen CN230736.
Hypertrophic cardiomyopathy. Also called: HYPERTROPHIC MYOCARDIOPATHY. Identifiers: Orphanet 217569, MedGen C0007194, MeSH D002312, MONDO:0005045, HP:0001639.
Cardiomyopathy (CMYO). Also called: Cardiomyopathies. Identifiers: Orphanet 167848, MedGen C0878544, MONDO:0004994, HP:0001638. Inheritance: Various modes of inheritance.

Allele frequency attached by ClinVar (database versions not stated): gnomAD exomes below 0.00001; TOPMed below 0.00001.
gnomAD v4.1: 4 of 1,612,768 alleles (0.00025%); highest among the groups gnomAD compares: East Asian, 0.0022%; no homozygotes.

Submissions (4):

Ambry Genetics
Classification: Uncertain significance for Cardiovascular phenotype. Last evaluated: 2025-11-10. Review status: criteria provided, single submitter. Criteria: Ambry Variant Classification Scheme 2023. Collection method: clinical testing. Allele origin: germline.
Comment: The p.V849I variant (also known as c.2545G>A), located in coding exon 25 of the MYBPC3 gene, results from a G to A substitution at nucleotide position 2545. The valine at codon 849 is replaced by isoleucine, an amino acid with highly similar properties. This amino acid position is conserved. In addition, this alteration is predicted to be tolerated by in silico analysis. Based on the available evidence, the clinical significance of this variant remains unclear.

Color Diagnostics, LLC DBA Color Health
Classification: Uncertain significance for Cardiomyopathy. Last evaluated: 2025-09-15. Review status: criteria provided, single submitter. Criteria: ACMG Guidelines, 2015. Collection method: clinical testing. Allele origin: germline.
Comment: This missense variant replaces valine with isoleucine at codon 849 of the MYBPC3 protein. Computational prediction suggests that this variant may not impact protein structure and function. To our knowledge, functional studies have not been reported for this variant. This variant has not been reported in individuals affected with MYBPC3-related disorders in the literature. This variant has not been identified in the general population by the Genome Aggregation Database (gnomAD). The available evidence is insufficient to determine the role of this variant in disease conclusively. Therefore, this variant is classified as a Variant of Uncertain Significance.

Labcorp Genetics (formerly Invitae), Labcorp
Classification: Uncertain significance for Hypertrophic cardiomyopathy. Last evaluated: 2024-07-24. Review status: criteria provided, single submitter. Criteria: Invitae Variant Classification Sherloc (09022015). Collection method: clinical testing. Allele origin: germline.
Comment: This sequence change replaces valine, which is neutral and non-polar, with isoleucine, which is neutral and non-polar, at codon 849 of the MYBPC3 protein (p.Val849Ile). This variant is not present in population databases (gnomAD no frequency). This variant has not been reported in the literature in individuals affected with MYBPC3-related conditions. An algorithm developed to predict the effect of missense changes on protein structure and function (PolyPhen-2) suggests that this variant is likely to be disruptive. In summary, the available evidence is currently insufficient to determine the role of this variant in disease. Therefore, it has been classified as a Variant of Uncertain Significance.

All of Us Research Program, National Institutes of Health
Classification: Uncertain significance for Hypertrophic cardiomyopathy. Last evaluated: 2023-05-16. Review status: criteria provided, single submitter. Criteria: ACMG Guidelines, 2015. Collection method: clinical testing. Allele origin: germline. Inheritance: Autosomal dominant inheritance. Observed: 1 variant allele, 1 heterozygote.
Comment: This missense variant replaces valine with isoleucine at codon 849 of the MYBPC3 protein. Computational prediction suggests that this variant may not impact protein structure and function (internally defined REVEL score threshold <= 0.5, PMID: 27666373). To our knowledge, functional studies have not been reported for this variant. This variant has not been reported in individuals affected with MYBPC3-related disorders in the literature. This variant has not been identified in the general population by the Genome Aggregation Database (gnomAD). The available evidence is insufficient to determine the role of this variant in disease conclusively. Therefore, this variant is classified as a Variant of Uncertain Significance.

This study involves interpretation of variants in research participants for the purpose of population health screening. Participant phenotype was not available at the time of variant classification. Additional details can be found in publication PMID: 35346344, PMCID: PMC8962531